The following is an entry in ClinVar:

ClinVar aggregate classification (germline): Uncertain significance (1 of 4 stars; one submission).

Conditions:
Hereditary spastic paraplegia 28. Also called: Spastic paraplegia 28, autosomal recessive. Identifiers: Orphanet 101008, MedGen C1836295, MONDO:0012256, OMIM 609340.

Allele frequency attached by ClinVar (database versions not stated): gnomAD exomes below 0.00001.
gnomAD v4.1: 1 of 1,613,496 alleles (0.000062%); highest among the groups gnomAD compares: Non-Finnish European, 0.000085%; no homozygotes.

Submission:

Labcorp Genetics (formerly Invitae), Labcorp
Classification: Uncertain significance for Hereditary spastic paraplegia 28. Last evaluated: 2018-08-23. Review status: criteria provided, single submitter. Criteria: Invitae Variant Classification Sherloc (09022015). Collection method: clinical testing. Allele origin: germline.
Comment: This sequence change replaces arginine with glycine at codon 189 of the DDHD1 protein (p.Arg189Gly). The arginine residue is moderately conserved and there is a moderate physicochemical difference between arginine and glycine. This variant is not present in population databases (ExAC no frequency). This variant has not been reported in the literature in individuals with DDHD1-related disease. Algorithms developed to predict the effect of missense changes on protein structure and function are either unavailable or do not agree on the potential impact of this missense change (SIFT: "Tolerated"; PolyPhen-2: "Possibly Damaging"; Align-GVGD: "Class C0"). In summary, the available evidence is currently insufficient to determine the role of this variant in disease. Therefore, it has been classified as a Variant of Uncertain Significance.

NM_001160148.2(DDHD1):c.565C>G (p.Arg189Gly)

Gene: DDHD1 (DDHD domain containing 1; minus strand). Cytogenetic location: 14q22.1.
Variant type: single nucleotide variant.
Coding change: c.565C>G on transcript NM_001160148.2 (MANE Select); coding-DNA position 565, C replaced by G.
Protein change: p.Arg189Gly; replaces arginine 189 with glycine.
Molecular consequence: missense variant.
Genome position (GRCh38, 1-based): chr14:53,152,534, G>C on the plus strand (C>G on the coding strand, the complement: DDHD1 is on the minus strand). VCF-style: chr14-53152534-G-C. GRCh37 (hg19) VCF-style: chr14-53619252-G-C.
Other names: c.565C>G, p.Arg189Gly (NM_001160147.2, NM_030637.3); short protein forms R189G.
Identifiers: ClinVar variation 659803 (VCV000659803.8), dbSNP rs1595287243, ClinGen allele CA389780458.